The following is an entry in ClinVar:

NM_024757.5(EHMT1):c.755C>T (p.Pro252Leu)

Gene: EHMT1 (euchromatic histone lysine methyltransferase 1; plus strand). Cytogenetic location: 9q34.3.
Variant type: single nucleotide variant.
Coding change: c.755C>T on transcript NM_024757.5 (MANE Select); coding-DNA position 755, C replaced by T.
Protein change: p.Pro252Leu; replaces proline 252 with leucine.
Molecular consequence: missense variant.
Genome position (GRCh38, 1-based): chr9:137,728,461, C>T. VCF-style: chr9-137728461-C-T. GRCh37 (hg19) VCF-style: chr9-140622913-C-T.
Other names: c.755C>T, p.Pro252Leu (NM_001145527.2, NM_001354263.2, NM_001354611.2); c.662C>T, p.Pro221Leu (NM_001354259.2, NM_001354612.2); c.755C>T (NM_024757.4); short protein forms P221L, P252L.
Identifiers: ClinVar variation 1047613 (VCV001047613.12), dbSNP rs775614771, ClinGen allele CA5374402.
Genomic context (GRCh38, chr9:137,728,461, plus strand): 5'-AACCAAAAGAGGAGATCAACAAAAACATTTCTGACTTTGGACGACAGCAGCTTTTACCCC[C>T]CTTCCCATCCCTTCATCAGTCGCTACCTCAGAACCAGTGCTACATGGCCACCACAAAATC-3'
Protein context (NP_079033.4, residues 242-262): SDFGRQQLLP[Pro252Leu]FPSLHQSLPQ

ClinVar aggregate classification (germline): Conflicting classifications of pathogenicity. Review status: criteria provided, conflicting classifications (1 of 4 stars). 3 submissions from 3 submitters: Uncertain significance (2); Likely benign (1). Last evaluated 2026-06-23.

Conditions:
Inborn genetic diseases. Identifiers: MedGen C0950123, MeSH D030342.
Kleefstra syndrome 1 (KLEFS1). Identifiers: Orphanet 261494, MedGen C0795833, MONDO:0027407, OMIM 610253.

Allele frequency attached by ClinVar (database versions not stated): TOPMed 0.00002.
gnomAD v4.1: 12 of 1,613,924 alleles (0.00074%); highest among the groups gnomAD compares: South Asian, 0.0099%; no homozygotes.

Submissions (3):

Ambry Genetics
Classification: Uncertain significance for Inborn genetic diseases. Last evaluated: 2026-06-23. Review status: criteria provided, single submitter. Criteria: Ambry Variant Classification Scheme 2023. Collection method: clinical testing. Allele origin: germline.
Comment: The c.755C>T (p.P252L) alteration is located in exon 4 (coding exon 4) of the EHMT1 gene. This alteration results from a C to T substitution at nucleotide position 755, causing the proline (P) at amino acid position 252 to be replaced by a leucine (L). Based on data from gnomAD, the T allele has an overall frequency of 0.001% (2/251492) total alleles studied. The highest observed frequency was 0.007% (2/30616) of South Asian alleles. Based on insufficient or conflicting evidence, the clinical significance of this alteration remains unclear.

Labcorp Genetics (formerly Invitae), Labcorp
Classification: Likely benign for Kleefstra syndrome 1. Last evaluated: 2023-09-28. Review status: criteria provided, single submitter. Criteria: Invitae Variant Classification Sherloc (09022015). Collection method: clinical testing. Allele origin: germline.

GeneDx
Classification: Uncertain significance. Last evaluated: 2023-07-08. Review status: criteria provided, single submitter. Criteria: GeneDx Variant Classification Process June 2021. Collection method: clinical testing. Allele origin: germline. Affected: yes.
Comment: In silico analysis supports that this missense variant does not alter protein structure/function; Has not been previously published as pathogenic or benign to our knowledge